The following is an entry in ClinVar:

ClinVar aggregate classification (germline): Uncertain significance (1 of 4 stars; one submission).

Conditions:
CLPB-related disorder. Also called: CLPB-related condition.

Submission:

PreventionGenetics, part of Exact Sciences
Classification: Uncertain significance for CLPB-related condition. Last evaluated: 2023-09-21. Review status: criteria provided, single submitter. Criteria: ACMG Guidelines, 2015. Collection method: clinical testing. Allele origin: germline.
Comment: The CLPB c.256G>C variant is predicted to result in the amino acid substitution p.Ala86Pro. To our knowledge, this variant has not been reported in the literature or in a large population database, indicating this variant is rare. At this time, the clinical significance of this variant is uncertain due to the absence of conclusive functional and genetic evidence.

NM_001258392.3(CLPB):c.456-5110G>C

Gene: CLPB (ClpB family mitochondrial disaggregase; minus strand). Cytogenetic location: 11q13.4.
Variant type: single nucleotide variant.
Coding change: c.456-5110G>C on transcript NM_001258392.3 (MANE Select); 5110 bases into the intron before coding-DNA position 456, G replaced by C.
Molecular consequence: intron variant. On other transcripts: missense variant (1).
Genome position (GRCh38, 1-based): chr11:72,408,162, C>G on the plus strand (G>C on the coding strand, the complement: CLPB is on the minus strand). VCF-style: chr11-72408162-C-G. GRCh37 (hg19) VCF-style: chr11-72119206-C-G.
Other names: c.256G>C, p.Ala86Pro (NM_001258394.3); c.455+22150G>C (NM_001258393.3); c.456-5110G>C (NM_030813.6); short protein forms A86P.
Identifiers: ClinVar variation 2631159 (VCV002631159.1), dbSNP rs2495834008, ClinGen allele CA381965262.
Genomic context (GRCh38, chr11:72,408,162, plus strand): 5'-GGGGCCATTCAGAGGAGGAAATCTTGGTGTTCTTCAGTGAGACTCCAGCATTCAGCCCTG[C>G]CCAGCTTCTTGACTGAGCATCATTCTTTGCAGTCTCTTGGGGCTGAGGTATAATGGAAAA-3'